The following is an entry in ClinVar:

ClinVar aggregate classification (germline): Uncertain significance (1 of 4 stars; one submission).

Allele frequency attached by ClinVar (database versions not stated): ExAC 0.00001; gnomAD 0.00001; TOPMed 0.00001; ESP Exome Variant Server 0.00008.
gnomAD v4.1: 19 of 1,597,178 alleles (0.0012%); highest among the groups gnomAD compares: Non-Finnish European, 0.0015%; no homozygotes.

Submission:

Labcorp Genetics (formerly Invitae), Labcorp
Classification: Uncertain significance. Last evaluated: 2023-11-18. Review status: criteria provided, single submitter. Criteria: Invitae Variant Classification Sherloc (09022015). Collection method: clinical testing. Allele origin: germline.
Comment: This sequence change replaces tyrosine, which is neutral and polar, with cysteine, which is neutral and slightly polar, at codon 745 of the KANK4 protein (p.Tyr745Cys). This variant is present in population databases (rs372846311, gnomAD 0.0009%). This variant has not been reported in the literature in individuals affected with KANK4-related conditions. Algorithms developed to predict the effect of missense changes on protein structure and function output the following: SIFT: "Not Available"; PolyPhen-2: "Benign"; Align-GVGD: "Not Available". The cysteine amino acid residue is found in multiple mammalian species, which suggests that this missense change does not adversely affect protein function. In summary, the available evidence is currently insufficient to determine the role of this variant in disease. Therefore, it has been classified as a Variant of Uncertain Significance.

NM_181712.5(KANK4):c.2234A>G (p.Tyr745Cys)

Gene: KANK4 (KN motif and ankyrin repeat domains 4; minus strand). Cytogenetic location: 1p31.3.
Variant type: single nucleotide variant.
Coding change: c.2234A>G on transcript NM_181712.5 (MANE Select); coding-DNA position 2234, A replaced by G.
Protein change: p.Tyr745Cys; replaces tyrosine 745 with cysteine.
Molecular consequence: missense variant.
Genome position (GRCh38, 1-based): chr1:62,266,817, T>C on the plus strand (A>G on the coding strand, the complement: KANK4 is on the minus strand). VCF-style: chr1-62266817-T-C. GRCh37 (hg19) VCF-style: chr1-62732489-T-C.
Other names: c.350A>G, p.Tyr117Cys (NM_001320269.2); short protein forms Y117C, Y745C.
Identifiers: ClinVar variation 3003565 (VCV003003565.3), dbSNP rs372846311, ClinGen allele CA884166.